The following is an entry in ClinVar:

NM_002092.4(GRSF1):c.-1C>T

Gene: GRSF1 (G-rich RNA sequence binding factor 1; minus strand). Cytogenetic location: 4q13.3.
Variant type: single nucleotide variant.
Coding change: c.-1C>T on transcript NM_002092.4 (MANE Select); 1 bases upstream of the start codon, C replaced by T.
Molecular consequence: 5 prime UTR variant.
Genome position (GRCh38, 1-based): chr4:70,839,828, G>A on the plus strand (C>T on the coding strand, the complement: GRSF1 is on the minus strand). VCF-style: chr4-70839828-G-A. GRCh37 (hg19) VCF-style: chr4-71705545-G-A.
Identifiers: ClinVar variation 2654799 (VCV002654799.24), dbSNP rs193090549, ClinGen allele CA2953883.

ClinVar aggregate classification (germline): Likely benign (1 of 4 stars; one submission).

Allele frequency attached by ClinVar (database versions not stated): ESP Exome Variant Server 0.00158; 1000 Genomes Project 0.00160; 1000 Genomes Project 30x 0.00297; TOPMed 0.00340; gnomAD 0.00469; ExAC 0.00522.

Submission:

CeGaT Center for Human Genetics Tuebingen
Classification: Likely benign. Last evaluated: 2022-12-01. Review status: criteria provided, single submitter. Criteria: CeGaT Center For Human Genetics Tuebingen Variant Classification Criteria Version 2. Collection method: clinical testing. Allele origin: germline. Affected: yes. Observed: 1 variant allele.
Comment: GRSF1: BP4, BS2